The following is an entry in ClinVar:

ClinVar aggregate classification (germline): Uncertain significance (1 of 4 stars; one submission).

Allele frequency attached by ClinVar (database versions not stated): gnomAD exomes 0.00002; TOPMed 0.00003; ExAC 0.00004.
gnomAD v4.1: 32 of 1,614,084 alleles (0.002%); highest among the groups gnomAD compares: Admixed American, 0.017%; no homozygotes.

Submission:

Labcorp Genetics (formerly Invitae), Labcorp
Classification: Uncertain significance. Last evaluated: 2024-03-30. Review status: criteria provided, single submitter. Criteria: Invitae Variant Classification Sherloc (09022015). Collection method: clinical testing. Allele origin: germline.
Comment: This sequence change replaces arginine, which is basic and polar, with histidine, which is basic and polar, at codon 696 of the CNOT1 protein (p.Arg696His). This variant is present in population databases (rs35500577, gnomAD 0.03%). This variant has not been reported in the literature in individuals affected with CNOT1-related conditions. ClinVar contains an entry for this variant (Variation ID: 2146937). An algorithm developed to predict the effect of missense changes on protein structure and function (PolyPhen-2) suggests that this variant is likely to be disruptive. In summary, the available evidence is currently insufficient to determine the role of this variant in disease. Therefore, it has been classified as a Variant of Uncertain Significance.

NM_016284.5(CNOT1):c.2087G>A (p.Arg696His)

Gene: CNOT1 (CCR4-NOT transcription complex subunit 1; minus strand). Cytogenetic location: 16q21.
Variant type: single nucleotide variant.
Coding change: c.2087G>A on transcript NM_016284.5 (MANE Select); coding-DNA position 2087, G replaced by A.
Protein change: p.Arg696His; replaces arginine 696 with histidine.
Molecular consequence: missense variant. On other transcripts: non-coding transcript variant (1).
Genome position (GRCh38, 1-based): chr16:58,560,255, C>T on the plus strand (G>A on the coding strand, the complement: CNOT1 is on the minus strand). VCF-style: chr16-58560255-C-T. GRCh37 (hg19) VCF-style: chr16-58594159-C-T.
Other names: c.2087G>A, p.Arg696His (NM_001265612.2, NM_206999.3); short protein forms R696H.
Identifiers: ClinVar variation 2146937 (VCV002146937.4), dbSNP rs35500577, ClinGen allele CA8089763.
Genomic context (GRCh38, chr16:58,560,255, plus strand): 5'-ATGTAGCACTCATTTACCTGAACAGGAGAAATGGCATCTAAGCTGCTAGCACTAGGAGGA[C>T]GTCCTTTTGGCATAACTCCAGGTGGTGGTTGTCTGGCCTTATTCATAACATTACTGCAAT-3'
Protein context (NP_057368.3, residues 686-706): QPPPGVMPKG[Arg696His]PPSASSLDAI